The following is an entry in ClinVar:

ClinVar aggregate classification (germline): Uncertain significance (1 of 4 stars; one submission).

Submission:

Labcorp Genetics (formerly Invitae), Labcorp
Classification: Uncertain significance. Last evaluated: 2021-06-19. Review status: criteria provided, single submitter. Criteria: Invitae Variant Classification Sherloc (09022015). Collection method: clinical testing. Allele origin: germline.
Comment: This variant has not been reported in the literature in individuals with TTPA-related conditions. This variant is not present in population databases (ExAC no frequency). This sequence change replaces histidine with arginine at codon 195 of the TTPA protein (p.His195Arg). The histidine residue is highly conserved and there is a small physicochemical difference between histidine and arginine. Algorithms developed to predict the effect of missense changes on protein structure and function (SIFT, PolyPhen-2, Align-GVGD) all suggest that this variant is likely to be disruptive, but these predictions have not been confirmed by published functional studies and their clinical significance is uncertain. In summary, the available evidence is currently insufficient to determine the role of this variant in disease. Therefore, it has been classified as a Variant of Uncertain Significance.

NM_000370.3(TTPA):c.584A>G (p.His195Arg)

Gene: TTPA (alpha tocopherol transfer protein; minus strand). Cytogenetic location: 8q12.3.
Variant type: single nucleotide variant.
Coding change: c.584A>G on transcript NM_000370.3 (MANE Select); coding-DNA position 584, A replaced by G.
Protein change: p.His195Arg; replaces histidine 195 with arginine.
Molecular consequence: missense variant.
Genome position (GRCh38, 1-based): chr8:63,064,285, T>C on the plus strand (A>G on the coding strand, the complement: TTPA is on the minus strand). VCF-style: chr8-63064285-T-C. GRCh37 (hg19) VCF-style: chr8-63976844-T-C.
Other names: short protein forms H195R.
Identifiers: ClinVar variation 1500133 (VCV001500133.6), dbSNP rs2129741655, ClinGen allele CA371332199.